The following is an entry in ClinVar:

ClinVar aggregate classification (germline): Uncertain significance. Review status: criteria provided, multiple submitters, no conflicts (2 of 4 stars). 3 submissions from 3 submitters: Uncertain significance (3). Last evaluated 2024-11-22.

Allele frequency attached by ClinVar (database versions not stated): gnomAD exomes 0.00004 and 0.00007; gnomAD 0.00007 and 0.00008; TOPMed 0.00007; ExAC 0.00009; ESP Exome Variant Server 0.00016.
gnomAD v4.1: 63 of 1,610,436 alleles (0.0039%); highest among the groups gnomAD compares: Admixed American, 0.0084%; no homozygotes.

Submissions (3):

Blueprint Genetics
Classification: Uncertain significance. Last evaluated: 2024-11-22. Review status: criteria provided, single submitter. Criteria: ACMG Guidelines, 2015. Collection method: clinical testing. Allele origin: germline.

Women's Health and Genetics/Laboratory Corporation of America, LabCorp
Classification: Uncertain significance. Last evaluated: 2023-09-15. Review status: criteria provided, single submitter. Criteria: LabCorp Variant Classification Summary - May 2015. Collection method: clinical testing. Allele origin: germline.
Comment: Variant summary: OBSL1 c.3445G>A (p.Gly1149Arg) results in a non-conservative amino acid change located in the Immunoglobulin subtype 2 (IPR003598) of the encoded protein sequence. Four of five in-silico tools predict a damaging effect of the variant on protein function. The variant allele was found at a frequency of 7.5e-05 in 241076 control chromosomes. This frequency is not significantly higher than estimated for a pathogenic variant in OBSL1 causing Three M Syndrome 2 (7.5e-05 vs 0.0011), allowing no conclusion about variant significance. c.3445G>A has been reported in the literature as a de novo change in individual(s) affected with Autism, without strong evidence for causality (example, Neale_2012, Zhou_2022, Turner_2019). These report(s) do not provide unequivocal conclusions about association of the variant with Three M Syndrome 2. To our knowledge, no experimental evidence demonstrating an impact on protein function has been reported. The following publications have been ascertained in the context of this evaluation (PMID: 22495311, 31785789, 35982159). One submitter has cited clinical-significance assessments for this variant to ClinVar after 2014 and has classified the variant as uncertain significance. Based on the evidence outlined above, the variant was classified as uncertain significance.

Labcorp Genetics (formerly Invitae), Labcorp
Classification: Uncertain significance. Last evaluated: 2022-01-06. Review status: criteria provided, single submitter. Criteria: Invitae Variant Classification Sherloc (09022015). Collection method: clinical testing. Allele origin: germline.
Comment: In summary, the available evidence is currently insufficient to determine the role of this variant in disease. Therefore, it has been classified as a Variant of Uncertain Significance. Algorithms developed to predict the effect of missense changes on protein structure and function are either unavailable or do not agree on the potential impact of this missense change (SIFT: "Deleterious"; PolyPhen-2: "Probably Damaging"; Align-GVGD: "Class C15"). ClinVar contains an entry for this variant (Variation ID: 1053899). This variant has not been reported in the literature in individuals affected with OBSL1-related conditions. This variant is present in population databases (rs200771559, gnomAD 0.01%). This sequence change replaces glycine, which is neutral and non-polar, with arginine, which is basic and polar, at codon 1149 of the OBSL1 protein (p.Gly1149Arg).

Literature cited by the submitters: PubMed 22495311 (cited by Women's Health and Genetics/Laboratory Corporation of America, LabCorp); PubMed 31785789 (cited by Women's Health and Genetics/Laboratory Corporation of America, LabCorp); PubMed 35982159 (cited by Women's Health and Genetics/Laboratory Corporation of America, LabCorp).

NM_015311.3(OBSL1):c.3445G>A (p.Gly1149Arg)

Gene: OBSL1 (obscurin like cytoskeletal adaptor 1; minus strand). Cytogenetic location: 2q35.
Variant type: single nucleotide variant.
Coding change: c.3445G>A on transcript NM_015311.3 (MANE Select); coding-DNA position 3445, G replaced by A.
Protein change: p.Gly1149Arg; replaces glycine 1149 with arginine.
Molecular consequence: missense variant.
Genome position (GRCh38, 1-based): chr2:219,558,241, C>T on the plus strand (G>A on the coding strand, the complement: OBSL1 is on the minus strand). VCF-style: chr2-219558241-C-T. GRCh37 (hg19) VCF-style: chr2-220422963-C-T.
Other names: c.3445G>A, p.Gly1149Arg (NM_001173431.2); c.3445G>A (NM_015311.2); short protein forms G1149R.
Identifiers: ClinVar variation 1053899 (VCV001053899.10), dbSNP rs200771559, ClinGen allele CA2130869.